The following is an entry in ClinVar:

ClinVar aggregate classification (germline): Likely pathogenic. Review status: criteria provided, multiple submitters, no conflicts (2 of 4 stars). 3 submissions from 3 submitters: Likely pathogenic (3). Last evaluated 2025-09-02.

Conditions:
3-methylcrotonyl-CoA carboxylase 1 deficiency (MCC1D). Also called: MCCD TYPE 1; METHYLCROTONYLGLYCINURIA TYPE I; MCC 1 deficiency; 3 Alpha methylcrotonylglycinuria 1. Identifiers: Orphanet 6, MedGen CN028786, MONDO:0008861, OMIM 210200.

Allele frequency attached by ClinVar (database versions not stated): gnomAD exomes below 0.00001.
gnomAD v4.1: 8 of 1,603,316 alleles (0.0005%); highest among the groups gnomAD compares: Admixed American, 0.0017%; no homozygotes.

Submissions (3):

Natera, Inc.
Classification: Likely pathogenic for 3-methylcrotonyl-CoA carboxylase 1 deficiency. Last evaluated: 2025-09-02. Review status: criteria provided, single submitter. Criteria: Natera Variant Classification Schema (03/2026). Collection method: clinical testing. Allele origin: germline.
Comment: The c.1595-1G>C variant in MCCC1 is a canonical splice acceptor site variant predicted to affect pre-mRNA splicing, which may result in an abnormal transcript and altered protein product. This variant is expected to result in nonsense mediated decay, truncation, or a dysfunctional protein product. This variant is rare in the general population with a frequency below the threshold expected for the associated phenotype(s). Given the available evidence, this variant is classified as Likely Pathogenic.

Labcorp Genetics (formerly Invitae), Labcorp
Classification: Likely pathogenic for 3-methylcrotonyl-CoA carboxylase 1 deficiency. Last evaluated: 2025-01-05. Review status: criteria provided, single submitter. Criteria: Invitae Variant Classification Sherloc (09022015). Collection method: clinical testing. Allele origin: germline.
Comment: This sequence change affects an acceptor splice site in intron 13 of the MCCC1 gene. It is expected to disrupt RNA splicing. Variants that disrupt the donor or acceptor splice site typically lead to a loss of protein function (PMID: 16199547), and loss-of-function variants in MCCC1 are known to be pathogenic (PMID: 11181649, 15359379, 22642865). This variant is present in population databases (no rsID available, gnomAD 0.003%). Disruption of this splice site has been observed in individual(s) with clinical features of 3 methylcrotonyl-CoA carboxylase deficiency (internal data). ClinVar contains an entry for this variant (Variation ID: 652022). Algorithms developed to predict the effect of sequence changes on RNA splicing suggest that this variant may disrupt the consensus splice site. In summary, the currently available evidence indicates that the variant is pathogenic, but additional data are needed to prove that conclusively. Therefore, this variant has been classified as Likely Pathogenic.

Baylor Genetics
Classification: Likely pathogenic for 3-methylcrotonyl-CoA carboxylase 1 deficiency. Last evaluated: 2024-02-08. Review status: criteria provided, single submitter. Criteria: ACMG Guidelines, 2015. Collection method: clinical testing. Allele origin: unknown.

Literature cited by the submitters: PubMed 16199547 (cited by Labcorp Genetics (formerly Invitae), Labcorp); PubMed 11181649 (cited by Labcorp Genetics (formerly Invitae), Labcorp); PubMed 15359379 (cited by Labcorp Genetics (formerly Invitae), Labcorp); PubMed 22642865 (cited by Labcorp Genetics (formerly Invitae), Labcorp).

NM_020166.5(MCCC1):c.1595-1G>C

Gene: MCCC1 (methylcrotonyl-CoA carboxylase subunit 1; minus strand). Cytogenetic location: 3q27.1.
Variant type: single nucleotide variant.
Coding change: c.1595-1G>C on transcript NM_020166.5 (MANE Select); the canonical splice acceptor site of the intron before coding-DNA position 1595, G replaced by C.
Molecular consequence: splice acceptor variant.
Genome position (GRCh38, 1-based): chr3:183,034,078, C>G on the plus strand (G>C on the coding strand, the complement: MCCC1 is on the minus strand). VCF-style: chr3-183034078-C-G. GRCh37 (hg19) VCF-style: chr3-182751866-C-G.
Other names: c.1268-1G>C (NM_001363880.1); c.1244-1G>C (NM_001293273.2).
Identifiers: ClinVar variation 652022 (VCV000652022.9), dbSNP rs1337201010, ClinGen allele CA355318644.